The following is an entry in ClinVar:

NM_001009944.3(PKD1):c.1376G>A (p.Arg459Gln)

Gene: PKD1 (polycystin 1, transient receptor potential channel interacting; minus strand). Cytogenetic location: 16p13.3.
Variant type: single nucleotide variant.
Coding change: c.1376G>A on transcript NM_001009944.3 (MANE Select); coding-DNA position 1376, G replaced by A.
Protein change: p.Arg459Gln; replaces arginine 459 with glutamine.
Molecular consequence: missense variant.
Genome position (GRCh38, 1-based): chr16:2,117,498, C>T on the plus strand (G>A on the coding strand, the complement: PKD1 is on the minus strand). VCF-style: chr16-2117498-C-T. GRCh37 (hg19) VCF-style: chr16-2167499-C-T.
Other names: c.1376G>A, p.Arg459Gln (NM_000296.4); c.1376G>A (NM_000296.3); short protein forms R459Q.
Identifiers: ClinVar variation 2635831 (VCV002635831.2), dbSNP rs776837561, ClinGen allele CA7833530.

ClinVar aggregate classification (germline): Conflicting classifications of pathogenicity. Review status: criteria provided, conflicting classifications (1 of 4 stars). 2 submissions from 2 submitters: Uncertain significance (1); Likely benign (1). Last evaluated 2025-10-22.

Conditions:
Inborn genetic diseases. Identifiers: MedGen C0950123, MeSH D030342.
PKD1-related disorder. Also called: PKD1-related condition.

Allele frequency attached by ClinVar (database versions not stated): gnomAD 0.00019; TOPMed 0.00012; ExAC 0.00024; gnomAD exomes 0.00002; 1000 Genomes Project 30x 0.00031.
gnomAD v4.1: 53 of 1,546,904 alleles (0.0034%); highest among the groups gnomAD compares: African/African-American, 0.05%; no homozygotes.

Submissions (2):

Ambry Genetics
Classification: Likely benign for Inborn genetic diseases. Last evaluated: 2025-10-22. Review status: criteria provided, single submitter. Criteria: Ambry Variant Classification Scheme 2023. Collection method: clinical testing. Allele origin: germline.

PreventionGenetics, part of Exact Sciences
Classification: Uncertain significance for PKD1-related condition. Last evaluated: 2023-04-20. Review status: criteria provided, single submitter. Criteria: ACMG Guidelines, 2015. Collection method: clinical testing. Allele origin: germline.
Comment: The PKD1 c.1376G>A variant is predicted to result in the amino acid substitution p.Arg459Gln. To our knowledge, this variant has not been reported in the literature. This variant is reported in 0.080% of alleles in individuals of African descent in gnomAD. This variant falls within a highly paralogous region. Allele frequency data should be interpreted with caution. An alternative variant at the same amino acid (p.Arg459Pro) has been reported in the compound heterozygous state in a fetus with renal cysts (Mantovani et al. 2020. PubMed ID: 32457805). At this time, the clinical significance of this variant is uncertain due to the absence of conclusive functional and genetic evidence.